The following is an entry in ClinVar:

ClinVar aggregate classification (germline): Likely benign. Review status: criteria provided, single submitter (1 of 4 stars). 2 submissions from 2 submitters: Likely benign (1). 1 of the submissions does not count toward it. Last evaluated 2025-08-15.

Conditions:
Stormorken syndrome (STRMK). Also called: THROMBOCYTOPATHY, ASPLENIA, AND MIOSIS. Identifiers: Orphanet 3204, MedGen C1861451, MONDO:0008497, OMIM 185070.
Combined immunodeficiency due to STIM1 deficiency. Also called: STIM1 DEFICIENCY; IMMUNODEFICIENCY 10. Identifiers: Orphanet 169090, Orphanet 317430, MedGen C2748557, MONDO:0013008, OMIM 612783.
Myopathy with tubular aggregates (TAM). Also called: Tubular Aggregate Myopathy. Identifiers: Orphanet 2593, MedGen C0410207, MONDO:0008051.
STIM1-related disorder. Also called: STIM1-related condition.

Allele frequency attached by ClinVar (database versions not stated): gnomAD 0.00002 and 0.00003; TOPMed 0.00003; gnomAD exomes 0.00005 and 0.00009; ExAC 0.00007; ESP Exome Variant Server 0.00008.
gnomAD v4.1: 138 of 1,613,958 alleles (0.0086%); highest among the groups gnomAD compares: Non-Finnish European, 0.011%; no homozygotes.

Submissions (2):

Labcorp Genetics (formerly Invitae), Labcorp
Classification: Likely benign for Myopathy with tubular aggregates; Combined immunodeficiency due to STIM1 deficiency; Stormorken syndrome. Last evaluated: 2025-08-15. Review status: criteria provided, single submitter. Criteria: Invitae Variant Classification Sherloc (09022015). Collection method: clinical testing. Allele origin: germline.

PreventionGenetics, part of Exact Sciences
Classification: Likely benign for STIM1-related condition. Last evaluated: 2022-08-10. Review status: no assertion criteria provided. Collection method: clinical testing. Allele origin: germline. Not counted in ClinVar's aggregate classification.
Comment: This variant is classified as likely benign based on ACMG/AMP sequence variant interpretation guidelines (Richards et al. 2015 PMID: 25741868, with internal and published modifications).

NM_001382567.1(STIM1):c.1634+7A>G

Gene: STIM1 (stromal interaction molecule 1; plus strand). Cytogenetic location: 11p15.4.
Variant type: single nucleotide variant.
Coding change: c.1634+7A>G on transcript NM_001382567.1 (MANE Select); 7 bases into the intron after coding-DNA position 1634, A replaced by G.
Molecular consequence: intron variant. On other transcripts: synonymous variant (2).
Genome position (GRCh38, 1-based): chr11:4,086,550, A>G. VCF-style: chr11-4086550-A-G. GRCh37 (hg19) VCF-style: chr11-4107780-A-G.
Other names: c.1548A>G, p.Val516= (NM_001277961.3); c.1326A>G, p.Val442= (NM_001382566.1); c.1319+7A>G (NM_001382578.1, NM_001382575.1, NM_001382576.1 and 2 more transcripts); c.1052+7A>G (NM_001382580.1, NM_001382581.1); c.1562+7A>G (NM_001382568.1); c.1541+7A>G (NM_001277962.2, NM_003156.4); c.1313+7A>G (NM_001382570.1); c.1406+7A>G (NM_001382569.1); and 2 more.
Identifiers: ClinVar variation 706264 (VCV000706264.11), dbSNP rs371193534, ClinGen allele CA5830528.